The following is an entry in ClinVar:

NM_206933.4(USH2A):c.5250_5277del (p.Asn1750fs)

Genes: USH2A (usherin; minus strand), USH2A-AS2 (USH2A antisense RNA 2; plus strand). Cytogenetic location: 1q41.
Variant type: Deletion.
Coding change: c.5250_5277del on transcript NM_206933.4 (MANE Select); coding-DNA positions 5250 to 5277, 28 bases deleted (TGGATTGCTTCTTTTCGTTTATAACAAA).
Protein change: p.Asn1750fs; shifts the reading frame from asparagine 1750.
Molecular consequence: frameshift variant.
Genome position (GRCh38, 1-based): chr1:216,083,477-216,083,504, TTTGTTATAAACGAAAAGAAGCAATCCA deleted on the plus strand (TGGATTGCTTCTTTTCGTTTATAACAAA on the coding strand, the reverse complement: USH2A is on the minus strand); deleting any 28 consecutive bases within chr1:216,083,477-216,083,507 gives the same sequence; the c. name uses the placement nearest the transcript's 3' end. VCF-style (leftmost placement, unchanged base first): chr1-216083476-CTTTGTTATAAACGAAAAGAAGCAATCCA-C. GRCh37 (hg19) VCF-style: chr1-216256818-CTTTGTTATAAACGAAAAGAAGCAATCCA-C.
Other names: short protein forms N1750fs.
Identifiers: ClinVar variation 1456350 (VCV001456350.6), dbSNP rs2102559671, ClinGen allele CA2573131633.
Genomic context (GRCh38, chr1:216,083,476, plus strand): 5'-CTATATTTTAAAGTAATTTTAATCAAATTAATTCACATACAGCAAGAAAATCAGGTCCAT[CTTTGTTATAAACGAAAAGAAGCAATCCA>C]TTTAATTGGTCAGTTCTGAACTTAAAGGAAATCTCAAAGTTCATTCCACCATGAAACATA-3'

ClinVar aggregate classification (germline): Pathogenic (1 of 4 stars; one submission).

Submission:

Labcorp Genetics (formerly Invitae), Labcorp
Classification: Pathogenic. Last evaluated: 2021-10-31. Review status: criteria provided, single submitter. Criteria: Invitae Variant Classification Sherloc (09022015). Collection method: clinical testing. Allele origin: germline.
Comment: For these reasons, this variant has been classified as Pathogenic. This variant has not been reported in the literature in individuals affected with USH2A-related conditions. This variant is not present in population databases (gnomAD no frequency). This sequence change creates a premature translational stop signal (p.Asn1750Lysfs*11) in the USH2A gene. It is expected to result in an absent or disrupted protein product. Loss-of-function variants in USH2A are known to be pathogenic (PMID: 10729113, 10909849, 20507924, 25649381).

Literature cited by the submitters: PubMed 10729113; PubMed 10909849; PubMed 20507924; PubMed 25649381.